The following is an entry in ClinVar:

ClinVar aggregate classification (germline): Uncertain significance (1 of 4 stars; one submission).

Conditions:
Bethlem myopathy 1A. Also called: Bethlem Muscular Dystrophy; MYOPATHY, BENIGN CONGENITAL, WITH CONTRACTURES; Bethlem myopathy 1. Identifiers: Orphanet 610, MedGen CN029274, MONDO:0024530, OMIM 158810.

Allele frequency attached by ClinVar (database versions not stated): gnomAD exomes below 0.00001; TOPMed below 0.00001.

Submission:

Labcorp Genetics (formerly Invitae), Labcorp
Classification: Uncertain significance for Bethlem myopathy 1A. Last evaluated: 2023-02-15. Review status: criteria provided, single submitter. Criteria: Invitae Variant Classification Sherloc (09022015). Collection method: clinical testing. Allele origin: germline.
Comment: This sequence change replaces valine, which is neutral and non-polar, with methionine, which is neutral and non-polar, at codon 2502 of the COL6A3 protein (p.Val2502Met). This variant is present in population databases (no rsID available, gnomAD 0.0009%). This variant has not been reported in the literature in individuals affected with COL6A3-related conditions. ClinVar contains an entry for this variant (Variation ID: 1051500). Advanced modeling of protein sequence and biophysical properties (such as structural, functional, and spatial information, amino acid conservation, physicochemical variation, residue mobility, and thermodynamic stability) performed at Invitae indicates that this missense variant is not expected to disrupt COL6A3 protein function. In summary, the available evidence is currently insufficient to determine the role of this variant in disease. Therefore, it has been classified as a Variant of Uncertain Significance.

NM_004369.4(COL6A3):c.7504G>A (p.Val2502Met)

Gene: COL6A3 (collagen type VI alpha 3 chain; minus strand). Cytogenetic location: 2q37.3.
Variant type: single nucleotide variant.
Coding change: c.7504G>A on transcript NM_004369.4 (MANE Select); coding-DNA position 7504, G replaced by A.
Protein change: p.Val2502Met; replaces valine 2502 with methionine.
Molecular consequence: missense variant.
Genome position (GRCh38, 1-based): chr2:237,344,514, C>T on the plus strand (G>A on the coding strand, the complement: COL6A3 is on the minus strand). VCF-style: chr2-237344514-C-T. GRCh37 (hg19) VCF-style: chr2-238253157-C-T.
Other names: c.5683G>A, p.Val1895Met (NM_057166.5); c.6886G>A, p.Val2296Met (NM_057167.4); short protein forms V1895M, V2296M, V2502M.
Identifiers: ClinVar variation 1051500 (VCV001051500.12), dbSNP rs1446344528, ClinGen allele CA351202542.
Genomic context (GRCh38, chr2:237,344,514, plus strand): 5'-CTCTTGTGGGTGTGTTGCTGAAGAAAACAGCCACTTTCCTCATTAGGAATCCGTTCCTCA[C>T]ACGCTTAAATGTGTTCCTGGCCACAAACGACATGGCAGTCTCCAGACTCTGCTGTTTGGA-3'
Protein context (NP_004360.2, residues 2492-2512): SFVARNTFKR[Val2502Met]RNGFLMRKVA